The following is an entry in ClinVar:

ClinVar aggregate classification (germline): Uncertain significance (1 of 4 stars; one submission).

Allele frequency attached by ClinVar (database versions not stated): gnomAD exomes below 0.00001; gnomAD 0.00001; TOPMed 0.00001; ExAC 0.00004.
gnomAD v4.1: 6 of 1,613,236 alleles (0.00037%); highest among the groups gnomAD compares: East Asian, 0.0089%; no homozygotes.

Submission:

Labcorp Genetics (formerly Invitae), Labcorp
Classification: Uncertain significance. Last evaluated: 2023-06-16. Review status: criteria provided, single submitter. Criteria: Invitae Variant Classification Sherloc (09022015). Collection method: clinical testing. Allele origin: germline.
Comment: This variant is present in population databases (rs782620564, gnomAD 0.03%). This sequence change replaces serine, which is neutral and polar, with alanine, which is neutral and non-polar, at codon 174 of the ARHGEF1 protein (p.Ser174Ala). This variant has not been reported in the literature in individuals affected with ARHGEF1-related conditions. In summary, the available evidence is currently insufficient to determine the role of this variant in disease. Therefore, it has been classified as a Variant of Uncertain Significance. An algorithm developed to predict the effect of missense changes on protein structure and function (PolyPhen-2) suggests that this variant is likely to be disruptive.

NM_004706.4(ARHGEF1):c.475T>G (p.Ser159Ala)

Gene: ARHGEF1 (Rho guanine nucleotide exchange factor 1; plus strand). Cytogenetic location: 19q13.2.
Variant type: single nucleotide variant.
Coding change: c.475T>G on transcript NM_004706.4 (MANE Select); coding-DNA position 475, T replaced by G.
Protein change: p.Ser159Ala; replaces serine 159 with alanine.
Molecular consequence: missense variant. On other transcripts: non-coding transcript variant (2).
Genome position (GRCh38, 1-based): chr19:41,892,710, T>G. VCF-style: chr19-41892710-T-G. GRCh37 (hg19) VCF-style: chr19-42396781-T-G.
Other names: c.475T>G, p.Ser159Ala (NM_001396000.1, NM_001396003.1, NM_001396006.1); c.376T>G, p.Ser126Ala (NM_001396002.1, NM_001396004.1, NM_198977.2); c.520T>G, p.Ser174Ala (NM_199002.2); short protein forms S174A, S159A, S126A.
Identifiers: ClinVar variation 2792584 (VCV002792584.3), dbSNP rs782620564, ClinGen allele CA9465925.